The following is an entry in ClinVar:

ClinVar aggregate classification (germline): Conflicting classifications of pathogenicity. Review status: criteria provided, conflicting classifications (1 of 4 stars). 3 submissions from 3 submitters: Uncertain significance (2); Likely benign (1). Last evaluated 2025-05-11.

Conditions:
Hereditary breast ovarian cancer syndrome. Also called: Hereditary breast and/or ovarian cancer syndrome; Hereditary breast and ovarian cancer syndrome; Hereditary breast and ovarian cancer syndrome (HBOC); Breast and ovarian cancer; Hereditary breast and ovarian cancer; BRCA1- and BRCA2-Associated Hereditary Breast and Ovarian Cancer. Identifiers: Orphanet 145, MedGen C0677776, MeSH D061325, MONDO:0003582. Disease mechanism: loss of function.
Hereditary cancer-predisposing syndrome. Also called: Hereditary Cancer Syndrome; Tumor predisposition; Hereditary neoplastic syndrome; Neoplastic Syndromes, Hereditary. Identifiers: Orphanet 140162, MedGen C0027672, MeSH D009386, MONDO:0015356.

Submissions (3):

Labcorp Genetics (formerly Invitae), Labcorp
Classification: Uncertain significance for Hereditary breast ovarian cancer syndrome. Last evaluated: 2025-05-11. Review status: criteria provided, single submitter. Criteria: Invitae Variant Classification Sherloc (09022015). Collection method: clinical testing. Allele origin: germline.
Comment: This sequence change replaces glutamine, which is neutral and polar, with lysine, which is basic and polar, at codon 1396 of the BRCA2 protein (p.Gln1396Lys). This variant is not present in population databases (gnomAD no frequency). This variant has not been reported in the literature in individuals affected with BRCA2-related conditions. ClinVar contains an entry for this variant (Variation ID: 1056750). Invitae Evidence Modeling of protein sequence and biophysical properties (such as structural, functional, and spatial information, amino acid conservation, physicochemical variation, residue mobility, and thermodynamic stability) indicates that this missense variant is not expected to disrupt BRCA2 protein function with a negative predictive value of 95%. In summary, the available evidence is currently insufficient to determine the role of this variant in disease. Therefore, it has been classified as a Variant of Uncertain Significance.

University of Washington Department of Laboratory Medicine, University of Washington
Classification: Likely benign for Hereditary cancer-predisposing syndrome. Last evaluated: 2023-03-23. Review status: criteria provided, single submitter. Criteria: Dines et al. (Genet Med. 2020). Collection method: curation. Allele origin: germline.
Comment: Missense variant in a coldspot region where missense variants are very unlikely to be pathogenic (PMID:31911673).

BRCA2 exon 11 coldspot. Reclassification based on statistical prior probability.

Ambry Genetics
Classification: Uncertain significance for Hereditary cancer-predisposing syndrome. Last evaluated: 2021-06-29. Review status: criteria provided, single submitter. Criteria: Ambry Variant Classification Scheme 2023. Collection method: clinical testing. Allele origin: germline.
Comment: The p.Q1396K variant (also known as c.4186C>A), located in coding exon 10 of the BRCA2 gene, results from a C to A substitution at nucleotide position 4186. The glutamine at codon 1396 is replaced by lysine, an amino acid with similar properties. This amino acid position is poorly conserved in available vertebrate species. In addition, this alteration is predicted to be tolerated by in silico analysis. Since supporting evidence is limited at this time, the clinical significance of this alteration remains unclear.

NM_000059.4(BRCA2):c.4186C>A (p.Gln1396Lys)

Gene: BRCA2 (BRCA2 DNA repair associated; plus strand). Cytogenetic location: 13q13.1.
Variant type: single nucleotide variant.
Coding change: c.4186C>A on transcript NM_000059.4 (MANE Select); coding-DNA position 4186, C replaced by A.
Protein change: p.Gln1396Lys; replaces glutamine 1396 with lysine.
Molecular consequence: missense variant.
Genome position (GRCh38, 1-based): chr13:32,338,541, C>A. VCF-style: chr13-32338541-C-A. GRCh37 (hg19) VCF-style: chr13-32912678-C-A.
Other names: short protein forms Q1396K.
Identifiers: ClinVar variation 1056750 (VCV001056750.12), dbSNP rs776286311, ClinGen allele CA387780143.